The following is an entry in ClinVar:

ClinVar aggregate classification (germline): Uncertain significance. Review status: criteria provided, multiple submitters, no conflicts (2 of 4 stars). 2 submissions from 2 submitters: Uncertain significance (2). Last evaluated 2021-04-30.

Conditions:
DICER1-related tumor predisposition. Also called: DICER1-related pleuropulmonary blastoma cancer predisposition syndrome; DICER1 syndrome. Identifiers: Orphanet 284343, MedGen C3839822, MONDO:0100216.
Hereditary cancer-predisposing syndrome. Also called: Neoplastic Syndromes, Hereditary; Tumor predisposition; Hereditary neoplastic syndrome; Hereditary Cancer Syndrome. Identifiers: Orphanet 140162, MedGen C0027672, MeSH D009386, MONDO:0015356.

Submissions (2):

Labcorp Genetics (formerly Invitae), Labcorp
Classification: Uncertain significance for DICER1-related tumor predisposition. Last evaluated: 2021-04-30. Review status: criteria provided, single submitter. Criteria: Invitae Variant Classification Sherloc (09022015). Collection method: clinical testing. Allele origin: germline.
Comment: In summary, the available evidence is currently insufficient to determine the role of this variant in disease. Therefore, it has been classified as a Variant of Uncertain Significance. Algorithms developed to predict the effect of missense changes on protein structure and function are either unavailable or do not agree on the potential impact of this missense change (SIFT: "Deleterious"; PolyPhen-2: "Benign"; Align-GVGD: "Class C0"). This variant has not been reported in the literature in individuals with DICER1-related conditions. This variant is not present in population databases (ExAC no frequency). This sequence change replaces aspartic acid with alanine at codon 1421 of the DICER1 protein (p.Asp1421Ala). The aspartic acid residue is weakly conserved and there is a moderate physicochemical difference between aspartic acid and alanine.

Ambry Genetics
Classification: Uncertain significance for Hereditary cancer-predisposing syndrome. Last evaluated: 2020-11-15. Review status: criteria provided, single submitter. Criteria: Ambry Variant Classification Scheme 2023. Collection method: clinical testing. Allele origin: germline.
Comment: The p.D1421A variant (also known as c.4262A>C), located in coding exon 22 of the DICER1 gene, results from an A to C substitution at nucleotide position 4262. The aspartic acid at codon 1421 is replaced by alanine, an amino acid with dissimilar properties. This amino acid position is poorly conserved in available vertebrate species. In addition, this alteration is predicted to be tolerated by in silico analysis. Since supporting evidence is limited at this time, the clinical significance of this alteration remains unclear.

NM_177438.3(DICER1):c.4262A>C (p.Asp1421Ala)

Gene: DICER1 (dicer 1, ribonuclease III; minus strand). Cytogenetic location: 14q32.13.
Variant type: single nucleotide variant.
Coding change: c.4262A>C on transcript NM_177438.3 (MANE Select); coding-DNA position 4262, A replaced by C.
Protein change: p.Asp1421Ala; replaces aspartic acid 1421 with alanine.
Molecular consequence: missense variant.
Genome position (GRCh38, 1-based): chr14:95,096,658, T>G on the plus strand (A>C on the coding strand, the complement: DICER1 is on the minus strand). VCF-style: chr14-95096658-T-G. GRCh37 (hg19) VCF-style: chr14-95562995-T-G.
Other names: c.4262A>C, p.Asp1421Ala (NM_001195573.1, NM_001271282.3, NM_001291628.2 and 1 more transcripts); short protein forms D1421A.
Identifiers: ClinVar variation 1491690 (VCV001491690.11), dbSNP rs1890378553, ClinGen allele CA390869648.